The following is an entry in ClinVar:

NM_080424.4(SP110):c.1396G>A (p.Val466Met)

Gene: SP110 (SP110 nuclear body protein; minus strand). Cytogenetic location: 2q37.1.
Variant type: single nucleotide variant.
Coding change: c.1396G>A on transcript NM_080424.4 (MANE Select); coding-DNA position 1396, G replaced by A.
Protein change: p.Val466Met; replaces valine 466 with methionine.
Molecular consequence: missense variant.
Genome position (GRCh38, 1-based): chr2:230,178,208, C>T on the plus strand (G>A on the coding strand, the complement: SP110 is on the minus strand). VCF-style: chr2-230178208-C-T. GRCh37 (hg19) VCF-style: chr2-231042924-C-T.
Other names: c.1396G>A (NM_004509.3); c.1414G>A, p.Val472Met (NM_001185015.2, NM_001378442.1, NM_001378444.1 and 2 more transcripts); c.1396G>A, p.Val466Met (NM_001378443.1, NM_004509.5, NM_004510.4); c.1246G>A, p.Val416Met (NM_001378447.1); short protein forms V416M, V466M, V472M.
Identifiers: ClinVar variation 1022634 (VCV001022634.7), dbSNP rs900500193, ClinGen allele CA66735822.
Genomic context (GRCh38, chr2:230,178,208, plus strand): 5'-GGAACTCACCGTGTTTCATTTTCTTCTTATATAAAATCCCTTTCGCCTCACCACAGGTCA[C>T]GGGGAGCTTAGAACAGTGAAAATCCACAGTGTCACTTTTGGGTTTTCCTTAAAGTAGAAG-3'
Protein context (NP_536349.3, residues 456-476): TVDFHCSKLP[Val466Met]TCGEAKGILY

ClinVar aggregate classification (germline): Uncertain significance. Review status: criteria provided, multiple submitters, no conflicts (2 of 4 stars). 2 submissions from 2 submitters: Uncertain significance (2). Last evaluated 2023-07-12.

Conditions:
Hepatic veno-occlusive disease-immunodeficiency syndrome. Also called: Hepatic Veno-Occlusive Disease with Immunodeficiency. Identifiers: Orphanet 79124, MedGen C1856128, MONDO:0009338, OMIM 235550. Disease mechanism: loss of function.
Inborn genetic diseases. Identifiers: MedGen C0950123, MeSH D030342.

Allele frequency attached by ClinVar (database versions not stated): gnomAD exomes 0.00001; TOPMed 0.00003.

Submissions (2):

Ambry Genetics
Classification: Uncertain significance for Inborn genetic diseases. Last evaluated: 2023-07-12. Review status: criteria provided, single submitter. Criteria: Ambry Variant Classification Scheme 2023. Collection method: clinical testing. Allele origin: germline.

Labcorp Genetics (formerly Invitae), Labcorp
Classification: Uncertain significance for Hepatic veno-occlusive disease-immunodeficiency syndrome. Last evaluated: 2022-06-25. Review status: criteria provided, single submitter. Criteria: Invitae Variant Classification Sherloc (09022015). Collection method: clinical testing. Allele origin: germline.
Comment: This sequence change replaces valine, which is neutral and non-polar, with methionine, which is neutral and non-polar, at codon 466 of the SP110 protein (p.Val466Met). This variant is present in population databases (no rsID available, gnomAD 0.002%). This variant has not been reported in the literature in individuals affected with SP110-related conditions. ClinVar contains an entry for this variant (Variation ID: 1022634). Algorithms developed to predict the effect of missense changes on protein structure and function are either unavailable or do not agree on the potential impact of this missense change (SIFT: "Tolerated"; PolyPhen-2: "Probably Damaging"; Align-GVGD: "Class C0"). In summary, the available evidence is currently insufficient to determine the role of this variant in disease. Therefore, it has been classified as a Variant of Uncertain Significance.